The following is an entry in ClinVar:

NM_000317.3(PTS):c.3G>A (p.Met1Ile)

Genes: PTS (6-pyruvoyltetrahydropterin synthase; plus strand), LOC130006765 (ATAC-STARR-seq lymphoblastoid silent region 3906; plus strand). Cytogenetic location: 11q23.1.
Variant type: single nucleotide variant.
Coding change: c.3G>A on transcript NM_000317.3 (MANE Select); coding-DNA position 3, G replaced by A.
Protein change: p.Met1Ile; changes the start codon (methionine 1).
Molecular consequence: missense variant, initiator codon variant.
Genome position (GRCh38, 1-based): chr11:112,226,446, G>A. VCF-style: chr11-112226446-G-A. GRCh37 (hg19) VCF-style: chr11-112097169-G-A.
Other names: short protein forms M1I.
Identifiers: ClinVar variation 4818153 (VCV004818153.2).

ClinVar aggregate classification (germline): Pathogenic (1 of 4 stars; one submission).

Conditions:
6-Pyruvoyl-tetrahydrobiopterin synthase deficiency. Also called: PTS DEFICIENCY; BH4-deficient hyperphenylalaninemia A; 6-Pyruvoyltetrahydropterin Synthase Deficiency; HYPERPHENYLALANINEMIA, TETRAHYDROBIOPTERIN-DEFICIENT, DUE TO PTS DEFICIENCY; Hyperphenylalanemia, BH4-deficient, A; Hyperphenylalaninemia due to 6-pyruvoyl-tetrahydropterin synthase deficiency. Identifiers: Orphanet 13, Orphanet 238583, MedGen C0878676, MONDO:0009863, OMIM 261640.

Submission:

Natera, Inc.
Classification: Pathogenic for 6-Pyruvoyl-tetrahydrobiopterin synthase deficiency. Last evaluated: 2025-11-30. Review status: criteria provided, single submitter. Criteria: Natera Variant Classification Schema (03/2026). Collection method: clinical testing. Allele origin: germline.
Comment: The c.3G>A variant in PTS is predicted to result in start loss due to disruption of the initiator methionine. This variant is expected to result in nonsense mediated decay, truncation, or a dysfunctional protein product. This variant is rare in the general population with a frequency below the threshold expected for the associated phenotype(s). This variant has been observed in one or more individuals affected with the associated recessive disease, as either homozygous or compound heterozygous with a second variant (PMID: 16601879). Given the available evidence, this variant is classified as Pathogenic.

Literature cited by the submitters: PubMed 16601879.